The following is an entry in ClinVar:

ClinVar aggregate classification (germline): Likely pathogenic. Review status: criteria provided, single submitter (1 of 4 stars). 2 submissions from 2 submitters: Likely pathogenic (1). 1 of the submissions does not count toward it. Last evaluated 2026-06-12.

Conditions:
Retinitis pigmentosa (RP). Identifiers: Orphanet 791, MedGen C0035334, MeSH D012174, MONDO:0019200, OMIM 268000. Inheritance: Autosomal dominant, autosomal recessive and X linked inheritance.
Retinal disorder. Also called: Retinal disorders; Retinopathy; Retinopathies; Retinal Diseases. Identifiers: MedGen C0035309, MONDO:0005283, HP:0000488.

Submissions (2):

Genetics Laboratory, Great Ormond Street Hospital NHS Foundation Trust, North Thames Genomic Laboratory Hub
Classification: Likely pathogenic for Retinal disorders. Last evaluated: 2026-06-12. Review status: criteria provided, single submitter. Criteria: ACGS Best Practice Guidelines for Variant Classification in Rare Disease 2024 v1.2. Collection method: clinical testing. Allele origin: germline. Affected: yes.
Comment: PM2_moderate, PVS1_strong

NIHR Bioresource Rare Diseases, University of Cambridge
Classification: Likely pathogenic for Retinitis pigmentosa. Last evaluated: 2015-01-01. Review status: no assertion criteria provided. Collection method: research. Allele origin: unknown. Affected: yes. Observed: 1 variant allele. Not counted in ClinVar's aggregate classification.

Literature cited by the submitters: PubMed 28041643 (cited by NIHR Bioresource Rare Diseases, University of Cambridge).

NM_000554.6(CRX):c.448_449del (p.Ser150fs)

Gene: CRX (cone-rod homeobox; plus strand). Cytogenetic location: 19q13.33.
Variant type: Deletion.
Coding change: c.448_449del on transcript NM_000554.6 (MANE Select); coding-DNA positions 448 to 449, 2 bases deleted (TC; older notation c.448_449delTC).
Protein change: p.Ser150fs; shifts the reading frame from serine 150.
Molecular consequence: frameshift variant.
Genome position (GRCh38, 1-based): chr19:47,839,515-47,839,516, TC deleted; deleting any 2 consecutive bases within chr19:47,839,514-47,839,516 gives the same sequence; the c. name uses the placement nearest the transcript's 3' end. VCF-style (leftmost placement, unchanged base first): chr19-47839513-CCT-C. GRCh37 (hg19) VCF-style: chr19-48342770-CCT-C.
Other names: short protein forms S150fs.
Identifiers: ClinVar variation 437961 (VCV000437961.3), dbSNP rs1555801989, ClinGen allele CA645509307.
Genomic context (GRCh38, chr19:47,839,513, plus strand): 5'-CAGATGTGTGTCCAGACCCTCTGGGCATCTCAGATTCCTACAGTCCCCCTCTGCCCGGCC[CCT>C]CAGGCTCCCCAACCACGGCAGTGGCCACTGTGTCCATCTGGAGCCCAGCCTCAGAGTCCC-3'